The following is an entry in ClinVar:

NM_001267550.2(TTN):c.72670G>A (p.Asp24224Asn)

Genes: TTN (titin; minus strand), TTN-AS1 (TTN antisense RNA 1; plus strand). Cytogenetic location: 2q31.2.
Variant type: single nucleotide variant.
Coding change: c.72670G>A on transcript NM_001267550.2 (MANE Select); coding-DNA position 72670, G replaced by A.
Protein change: p.Asp24224Asn; replaces aspartic acid 24224 with asparagine.
Molecular consequence: missense variant.
Genome position (GRCh38, 1-based): chr2:178,573,462, C>T on the plus strand (G>A on the coding strand, the complement: TTN is on the minus strand). VCF-style: chr2-178573462-C-T. GRCh37 (hg19) VCF-style: chr2-179438189-C-T.
Other names: c.67747G>A, p.Asp22583Asn (NM_001256850.1); c.45475G>A, p.Asp15159Asn (NM_003319.4); c.64966G>A, p.Asp21656Asn (NM_133378.4); c.45850G>A, p.Asp15284Asn (NM_133432.3); c.46051G>A, p.Asp15351Asn (NM_133437.4); short protein forms D15351N, D15159N, D15284N, D21656N, D24224N, D22583N.
Identifiers: ClinVar variation 4986429 (VCV004986429.1).
Genomic context (GRCh38, chr2:178,573,462, plus strand): 5'-CCCAGCAGACAACCATCGAATCTTTAGTAATAGTTGTCACTTCAGGGTTTTTGGGCGGAT[C>T]AGGGGGTCCATAAGGATTCACTGCAAGCACAGGCTCTGATTCCAGTGGCTCTCCCACTCC-3'
Protein context (NP_001254479.2, residues 24214-24234): VLAVNPYGPP[Asp24224Asn]PPKNPEVTTI

ClinVar aggregate classification (germline): Uncertain significance (1 of 4 stars; one submission).

Conditions:
TTN-related disorder. Also called: TTN-related disorders; TTN-related condition; TTN-related disease.

gnomAD v4.1: 7 of 1,514,844 alleles (0.00046%); highest among the groups gnomAD compares: Non-Finnish European, 0.00062%; no homozygotes.

Submission:

PreventionGenetics, part of Exact Sciences
Classification: Uncertain significance for TTN-related condition. Last evaluated: 2026-02-27. Review status: criteria provided, single submitter. Criteria: ACMG Guidelines, 2015. Collection method: clinical testing. Allele origin: germline.
Comment: The TTN c.72670G>A variant is predicted to result in the amino acid substitution p.Asp24224Asn. To our knowledge, this variant has not been reported in the literature. This variant is reported in 0.0012% of alleles in individuals of European (Non-Finnish) descent in gnomAD. At this time, the clinical significance of this variant is uncertain due to the absence of conclusive functional and genetic evidence.